The following is an entry in ClinVar:

ClinVar aggregate classification (germline): Conflicting classifications of pathogenicity. Review status: criteria provided, conflicting classifications (1 of 4 stars). 2 submissions from 2 submitters: Likely pathogenic (1); Uncertain significance (1). Last evaluated 2023-05-08.

Conditions:
Severe combined immunodeficiency, autosomal recessive, T cell-negative, B cell-negative, NK cell-positive. Also called: SCID, T CELL-NEGATIVE, B CELL-NEGATIVE, NK CELL-POSITIVE; SCID, AR, T-cell negative, B-cell negative, NK cell-positive; Severe combined immunodeficiency due to complete RAG1/2 deficiency. Identifiers: Orphanet 331206, MedGen C1832322, MONDO:0011086, OMIM 601457.
Histiocytic medullary reticulosis. Also called: SEVERE COMBINED IMMUNODEFICIENCY WITH HYPEREOSINOPHILIA; Omenn syndrome. Identifiers: Orphanet 39041, MedGen C2700553, MONDO:0011338, OMIM 603554.

Submissions (2):

Genomic Medicine Center of Excellence, King Faisal Specialist Hospital and Research Centre
Classification: Likely pathogenic for Severe combined immunodeficiency, autosomal recessive, T cell-negative, B cell-negative, NK cell-positive. Last evaluated: 2023-05-08. Review status: criteria provided, single submitter. Criteria: ACMG Guidelines, 2015. Collection method: research. Allele origin: germline. Affected: yes.

Baylor Genetics
Classification: Uncertain significance for Histiocytic medullary reticulosis. Last evaluated: 2020-11-05. Review status: criteria provided, single submitter. Criteria: ACMG Guidelines, 2015. Collection method: clinical testing. Allele origin: unknown. Affected: yes.
Comment: This variant was determined to be of uncertain significance according to ACMG Guidelines, 2015 [PMID:25741868].

NM_000536.4(RAG2):c.110C>T (p.Pro37Leu)

Gene: RAG2 (recombination activating 2; minus strand). Cytogenetic location: 11p12.
Variant type: single nucleotide variant.
Coding change: c.110C>T on transcript NM_000536.4 (MANE Select); coding-DNA position 110, C replaced by T.
Protein change: p.Pro37Leu; replaces proline 37 with leucine.
Molecular consequence: missense variant.
Genome position (GRCh38, 1-based): chr11:36,594,059, G>A on the plus strand (C>T on the coding strand, the complement: RAG2 is on the minus strand). VCF-style: chr11-36594059-G-A. GRCh37 (hg19) VCF-style: chr11-36615609-G-A.
Other names: c.110C>T, p.Pro37Leu (NM_001243785.2, NM_001243786.2); short protein forms P37L.
Identifiers: ClinVar variation 1029902 (VCV001029902.2), dbSNP rs1851104914, ClinGen allele CA380144592.